The following is an entry in ClinVar:

NM_007294.4(BRCA1):c.1934del (p.Ser645fs)

Gene: BRCA1 (BRCA1 DNA repair associated; minus strand). Cytogenetic location: 17q21.31.
Variant type: Deletion.
Coding change: c.1934del on transcript NM_007294.4 (MANE Select); coding-DNA position 1934, one base deleted (C; older notation c.1934delC).
Protein change: p.Ser645fs; shifts the reading frame from serine 645.
Molecular consequence: frameshift variant. On other transcripts: intron variant (137).
Genome position (GRCh38, 1-based): chr17:43,093,597, G deleted on the plus strand (C on the coding strand, the reverse complement: BRCA1 is on the minus strand). VCF-style (leftmost placement, unchanged base first): chr17-43093596-AG-A. GRCh37 (hg19) VCF-style: chr17-41245613-AG-A.
Other names: c.1721del, p.Ser574fs (NM_001407571.1, NM_001407853.1, NM_001407894.1 and 9 more transcripts); c.1934del, p.Ser645fs (NM_001407581.1, NM_001407582.1, NM_001407583.1 and 30 more transcripts); c.1931del, p.Ser644fs (NM_001407587.1, NM_001407590.1, NM_001407591.1 and 22 more transcripts); c.1925del, p.Ser642fs (NM_001407646.1, NM_001407647.1); c.1811del, p.Ser604fs (NM_001407648.1, NM_001407664.1, NM_001407665.1 and 19 more transcripts); c.1808del, p.Ser603fs (NM_001407649.1, NM_001407670.1, NM_001407671.1 and 11 more transcripts); c.1856del, p.Ser619fs (NM_001407653.1, NM_001407654.1, NM_001407655.1 and 4 more transcripts); c.1853del, p.Ser618fs (NM_001407659.1, NM_001407660.1, NM_001407661.1 and 1 more transcripts); and 40 more; short protein forms S598fs, S645fs, S533fs, S556fs, S577fs, S604fs, S644fs, S349fs.
Identifiers: ClinVar variation 1782933 (VCV001782933.5), dbSNP rs2552196404, ClinGen allele CA658761257.

ClinVar aggregate classification (germline): Pathogenic. Review status: criteria provided, multiple submitters, no conflicts (2 of 4 stars). 2 submissions from 2 submitters: Pathogenic (2). Last evaluated 2024-07-22.

Conditions:
Hereditary cancer-predisposing syndrome. Also called: Neoplastic Syndromes, Hereditary; Tumor predisposition; Hereditary Cancer Syndrome; Hereditary neoplastic syndrome. Identifiers: Orphanet 140162, MedGen C0027672, MeSH D009386, MONDO:0015356.
Hereditary breast ovarian cancer syndrome. Also called: Hereditary breast and ovarian cancer; Hereditary breast and ovarian cancer syndrome; Breast and ovarian cancer; Hereditary breast and/or ovarian cancer syndrome; BRCA1- and BRCA2-Associated Hereditary Breast and Ovarian Cancer; Hereditary breast and ovarian cancer syndrome (HBOC). Identifiers: Orphanet 145, MedGen C0677776, MeSH D061325, MONDO:0003582. Disease mechanism: loss of function.

Submissions (2):

Labcorp Genetics (formerly Invitae), Labcorp
Classification: Pathogenic for Hereditary breast ovarian cancer syndrome. Last evaluated: 2024-07-22. Review status: criteria provided, single submitter. Criteria: Invitae Variant Classification Sherloc (09022015). Collection method: clinical testing. Allele origin: germline.
Comment: This sequence change creates a premature translational stop signal (p.Ser645Leufs*6) in the BRCA1 gene. It is expected to result in an absent or disrupted protein product. Loss-of-function variants in BRCA1 are known to be pathogenic (PMID: 20104584). This variant is not present in population databases (gnomAD no frequency). This premature translational stop signal has been observed in individual(s) with BRCA1-related conditions (PMID: 26824983, 30078507, 30972954, 32029870). ClinVar contains an entry for this variant (Variation ID: 1782933). For these reasons, this variant has been classified as Pathogenic.

Ambry Genetics
Classification: Pathogenic for Hereditary cancer-predisposing syndrome. Last evaluated: 2021-10-25. Review status: criteria provided, single submitter. Criteria: Ambry Variant Classification Scheme 2023. Collection method: clinical testing. Allele origin: germline.
Comment: The c.1934delC pathogenic mutation, located in coding exon 9 of the BRCA1 gene, results from a deletion of one nucleotide at nucleotide position 1934, causing a translational frameshift with a predicted alternate stop codon (p.S645Lfs*6). This alteration has been identified in multiple individuals diagnosed with breast and/or ovarian cancer (Lin PH et al. Oncotarget, 2016 Feb;7:8310-20; Wei H et al. Oncol Lett, 2018 Jun;15:9420-9428; Deng H et al. Mol Genet Genomic Med, 2019 06;7:e672; Li JY et al. Int J Cancer, 2019 01;144:281-289; Wang X et al. Mol Genet Genomic Med, 2019 06;7:e677). This variant is considered to be rare based on population cohorts in the Genome Aggregation Database (gnomAD). In addition to the clinical data presented in the literature, this alteration is expected to result in loss of function by premature protein truncation or nonsense-mediated mRNA decay. As such, this alteration is interpreted as a disease-causing mutation.

Literature cited by the submitters: PubMed 20104584 (cited by Labcorp Genetics (formerly Invitae), Labcorp); PubMed 26824983 (cited by Labcorp Genetics (formerly Invitae), Labcorp and Ambry Genetics); PubMed 30078507 (cited by Labcorp Genetics (formerly Invitae), Labcorp); PubMed 30972954 (cited by Labcorp Genetics (formerly Invitae), Labcorp and Ambry Genetics); PubMed 32029870 (cited by Labcorp Genetics (formerly Invitae), Labcorp); PubMed 29752822 (cited by Ambry Genetics); PubMed 29805665 (cited by Ambry Genetics); PubMed 30968603 (cited by Ambry Genetics).